The following is an entry in ClinVar:

ClinVar aggregate classification (germline): Uncertain significance (0 of 4 stars; one submission).

Conditions:
SYNCRIP-related disorder. Also called: SYNCRIP-related condition.

Allele frequency attached by ClinVar (database versions not stated): gnomAD exomes below 0.00001.
gnomAD v4.1: 3 of 1,613,732 alleles (0.00019%); highest among the groups gnomAD compares: Non-Finnish European, 0.00017%; no homozygotes.

Submission:

PreventionGenetics, part of Exact Sciences
Classification: Uncertain significance for SYNCRIP-related condition. Last evaluated: 2024-01-04. Review status: no assertion criteria provided. Collection method: clinical testing. Allele origin: germline.
Comment: The SYNCRIP c.302C>T variant is predicted to result in the amino acid substitution p.Thr101Ile. To our knowledge, this variant has not been reported in the literature or in a large population database, indicating this variant is rare. At this time, the clinical significance of this variant is uncertain due to the absence of conclusive functional and genetic evidence.

NM_006372.5(SYNCRIP):c.302C>T (p.Thr101Ile)

Gene: SYNCRIP (synaptotagmin binding cytoplasmic RNA interacting protein; minus strand). Cytogenetic location: 6q14.3.
Variant type: single nucleotide variant.
Coding change: c.302C>T on transcript NM_006372.5 (MANE Select); coding-DNA position 302, C replaced by T.
Protein change: p.Thr101Ile; replaces threonine 101 with isoleucine.
Molecular consequence: missense variant. On other transcripts: 5 prime UTR variant (1).
Genome position (GRCh38, 1-based): chr6:85,640,294, G>A on the plus strand (C>T on the coding strand, the complement: SYNCRIP is on the minus strand). VCF-style: chr6-85640294-G-A. GRCh37 (hg19) VCF-style: chr6-86350012-G-A.
Other names: c.8C>T, p.Thr3Ile (NM_001159673.2, NM_001410938.1); c.302C>T, p.Thr101Ile (NM_001159674.2, NM_001159675.2, NM_001159676.2 and 1 more transcripts); c.-129C>T (NM_001253771.2); short protein forms T101I, T3I.
Identifiers: ClinVar variation 3032201 (VCV003032201.2), dbSNP rs2537999819, ClinGen allele CA364906505.
Genomic context (GRCh38, chr6:85,640,294, plus strand): 5'-TCATCTGGTCCTTTACTAGAATCTGCTACTTTGGTCCCTTGTTTTTCTCTCTGCCTGTAA[G>A]TCTTCATGACTCCACATAAAAAGGCACTTTTGTTCTGCAAAAAAATGTTCCATTAATATT-3'
Protein context (NP_006363.4, residues 91-111): KSAFLCGVMK[Thr101Ile]YRQREKQGTK